The following is an entry in ClinVar:

ClinVar aggregate classification (germline): Uncertain significance (1 of 4 stars; one submission).

gnomAD v4.1: 3 of 1,609,294 alleles (0.00019%); highest among the groups gnomAD compares: South Asian, 0.0033%; no homozygotes.

Submission:

GeneDx
Classification: Uncertain significance. Last evaluated: 2023-06-13. Review status: criteria provided, single submitter. Criteria: GeneDx Variant Classification Process June 2021. Collection method: clinical testing. Allele origin: germline. Affected: yes.
Comment: Not observed at significant frequency in large population cohorts (gnomAD); In silico analysis supports that this missense variant does not alter protein structure/function; Has not been previously published as pathogenic or benign to our knowledge

NM_001365.5(DLG4):c.125T>G (p.Leu42Arg)

Genes: ACADVL (acyl-CoA dehydrogenase very long chain; plus strand), DLG4 (discs large MAGUK scaffold protein 4; minus strand). Cytogenetic location: 17p13.1.
Variant type: single nucleotide variant.
Coding change: c.125T>G on transcript NM_001365.5 (MANE Plus Clinical); coding-DNA position 125, T replaced by G.
Protein change: p.Leu42Arg; replaces leucine 42 with arginine.
Molecular consequence: missense variant. On other transcripts: non-coding transcript variant (1), intron variant (1).
Genome position (GRCh38, 1-based): chr17:7,218,275, A>C on the plus strand (T>G on the coding strand, the complement: DLG4 is on the minus strand). VCF-style: chr17-7218275-A-C. GRCh37 (hg19) VCF-style: chr17-7121594-A-C.
Other names: c.125T>G, p.Leu42Arg (NM_001321074.1); c.131+457A>C (NM_001270447.2); short protein forms L42R.
Identifiers: ClinVar variation 3359640 (VCV003359640.1).